The following is an entry in ClinVar:

NM_005120.3(MED12):c.5867A>C (p.His1956Pro)

Gene: MED12 (mediator complex subunit 12; plus strand). Cytogenetic location: Xq13.1.
Variant type: single nucleotide variant.
Coding change: c.5867A>C on transcript NM_005120.3 (MANE Select); coding-DNA position 5867, A replaced by C.
Protein change: p.His1956Pro; replaces histidine 1956 with proline.
Molecular consequence: missense variant.
Genome position (GRCh38, 1-based): chrX:71,137,766, A>C. VCF-style: chrX-71137766-A-C. GRCh37 (hg19) VCF-style: chrX-70357616-A-C.
Other names: c.5867A>C (NM_005120.2); short protein forms H1956P.
Identifiers: ClinVar variation 2097839 (VCV002097839.5), dbSNP rs1252435002, ClinGen allele CA413539084.

ClinVar aggregate classification (germline): Uncertain significance. Review status: criteria provided, multiple submitters, no conflicts (2 of 4 stars). 2 submissions from 2 submitters: Uncertain significance (2). Last evaluated 2026-08-19.

Conditions:
Familial thoracic aortic aneurysm and aortic dissection (TAAD). Also called: Thoracic aortic aneurysms and dissections. Identifiers: Orphanet 91387, MedGen C4707243, MONDO:0019625.
FG syndrome (FGS). Identifiers: MedGen C0220769, MONDO:0002010.

Allele frequency attached by ClinVar (database versions not stated): gnomAD exomes below 0.00001.
gnomAD v4.1: 1 of 1,211,274 alleles (0.000083%); highest among the groups gnomAD compares: South Asian, 0.0018%; no homozygotes.

Submissions (2):

Ambry Genetics
Classification: Uncertain significance for Familial thoracic aortic aneurysm and aortic dissection. Last evaluated: 2026-08-19. Review status: criteria provided, single submitter. Criteria: Ambry Variant Classification Scheme 2023. Collection method: clinical testing. Allele origin: germline.
Comment: The p.H1956P variant (also known as c.5867A>C), located in coding exon 41 of the MED12 gene, results from an A to C substitution at nucleotide position 5867. The histidine at codon 1956 is replaced by proline, an amino acid with similar properties. This amino acid position is conserved. In addition, the in silico prediction for this alteration is inconclusive. Based on the available evidence, the clinical significance of this variant remains unclear.

Labcorp Genetics (formerly Invitae), Labcorp
Classification: Uncertain significance for FG syndrome. Last evaluated: 2022-07-06. Review status: criteria provided, single submitter. Criteria: Invitae Variant Classification Sherloc (09022015). Collection method: clinical testing. Allele origin: germline.
Comment: In summary, the available evidence is currently insufficient to determine the role of this variant in disease. Therefore, it has been classified as a Variant of Uncertain Significance. Algorithms developed to predict the effect of missense changes on protein structure and function are either unavailable or do not agree on the potential impact of this missense change (SIFT: "Deleterious"; PolyPhen-2: "Probably Damaging"; Align-GVGD: "Class C0"). This variant has not been reported in the literature in individuals affected with MED12-related conditions. This variant is present in population databases (no rsID available, gnomAD 0.005%). This sequence change replaces histidine, which is basic and polar, with proline, which is neutral and non-polar, at codon 1956 of the MED12 protein (p.His1956Pro).